The following is an entry in ClinVar:

NM_005670.4(EPM2A):c.37G>C (p.Val13Leu)

Genes: EPM2A (EPM2A glucan phosphatase, laforin; minus strand), EPM2A-DT (EPM2A divergent transcript; plus strand), LOC129997381 (ATAC-STARR-seq lymphoblastoid silent region 17642; plus strand). Cytogenetic location: 6q24.3.
Variant type: single nucleotide variant.
Coding change: c.37G>C on transcript NM_005670.4 (MANE Select); coding-DNA position 37, G replaced by C.
Protein change: p.Val13Leu; replaces valine 13 with leucine.
Molecular consequence: missense variant. On other transcripts: 5 prime UTR variant (3), intron variant (1).
Genome position (GRCh38, 1-based): chr6:145,735,462, C>G on the plus strand (G>C on the coding strand, the complement: EPM2A is on the minus strand). VCF-style: chr6-145735462-C-G. GRCh37 (hg19) VCF-style: chr6-146056598-C-G.
Other names: c.37G>C, p.Val13Leu (NM_001018041.2, NM_001360057.2, NM_001368130.1); c.-633G>C (NM_001360071.2); c.-587G>C (NM_001368129.2); c.-331G>C (NM_001368131.1); c.-114+446G>C (NM_001360064.2); short protein forms V13L.
Identifiers: ClinVar variation 1482866 (VCV001482866.8), dbSNP rs567454946, ClinGen allele CA366188643.

ClinVar aggregate classification (germline): Uncertain significance (1 of 4 stars; one submission).

Conditions:
Progressive myoclonic epilepsy. Also called: Familial progressive myoclonic epilepsy; Myoclonic Epilepsies, Progressive; Myoclonus epilepsy; Progressive myoclonus epilepsy. Identifiers: Orphanet 308, Orphanet 98261, MedGen C0751778, MONDO:0020074.

Allele frequency attached by ClinVar (database versions not stated): gnomAD exomes below 0.00001.
gnomAD v4.1: 4 of 1,227,978 alleles (0.00033%); highest among the groups gnomAD compares: Non-Finnish European, 0.00041%; no homozygotes.

Submission:

Labcorp Genetics (formerly Invitae), Labcorp
Classification: Uncertain significance for Progressive myoclonic epilepsy. Last evaluated: 2021-04-15. Review status: criteria provided, single submitter. Criteria: Invitae Variant Classification Sherloc (09022015). Collection method: clinical testing. Allele origin: germline.
Comment: In summary, the available evidence is currently insufficient to determine the role of this variant in disease. Therefore, it has been classified as a Variant of Uncertain Significance. Algorithms developed to predict the effect of missense changes on protein structure and function are either unavailable or do not agree on the potential impact of this missense change (SIFT: "Tolerated"; PolyPhen-2: "Not Available"; Align-GVGD: "Class C0"). This variant has not been reported in the literature in individuals with EPM2A-related conditions. The frequency data for this variant in the population databases is considered unreliable, as metrics indicate insufficient coverage at this position in the ExAC database. This sequence change replaces valine with leucine at codon 13 of the EPM2A protein (p.Val13Leu). The valine residue is weakly conserved and there is a small physicochemical difference between valine and leucine.